The following is an entry in ClinVar:

ClinVar aggregate classification (germline): Likely benign. Review status: criteria provided, multiple submitters, no conflicts (2 of 4 stars). 3 submissions from 3 submitters: Likely benign (3). Last evaluated 2026-06-01.

Conditions:
Inborn genetic diseases. Identifiers: MedGen C0950123, MeSH D030342.
Episodic ataxia type 2 (EA2). Also called: ACETAZOLAMIDE-RESPONSIVE HEREDITARY PAROXYSMAL CEREBELLAR ATAXIA; ATAXIA, EPISODIC, WITH NYSTAGMUS; ATAXIA, FAMILIAL PAROXYSMAL; CEREBELLAR ATAXIA, PAROXYSMAL, ACETAZOLAMIDE-RESPONSIVE; CEREBELLOPATHY, HEREDITARY PAROXYSMAL; EPISODIC ATAXIA, NYSTAGMUS-ASSOCIATED. Identifiers: Orphanet 97, MedGen C1720416, MONDO:0007163, OMIM 108500.
Developmental and epileptic encephalopathy, 42 (DEE42A). Also called: Epileptic encephalopathy, early infantile, 42; EPILEPTIC ENCEPHALOPATHY, EARLY INFANTILE, 42A; DEVELOPMENTAL AND EPILEPTIC ENCEPHALOPATHY 42A. Identifiers: MedGen C4310716, MONDO:0014917, OMIM 617106.

Allele frequency attached by ClinVar (database versions not stated): 1000 Genomes Project below 0.00001; gnomAD 0.00001; gnomAD exomes 0.00001; TOPMed 0.00001.
gnomAD v4.1: 12 of 1,613,560 alleles (0.00074%); highest among the groups gnomAD compares: East Asian, 0.0022%; no homozygotes.

Submissions (3):

CeGaT Center for Human Genetics Tuebingen
Classification: Likely benign. Last evaluated: 2026-06-01. Review status: criteria provided, single submitter. Criteria: CeGaT Center For Human Genetics Tuebingen Variant Classification Criteria Version 2. Collection method: clinical testing. Allele origin: germline. Affected: yes. Observed: 5 variant alleles.
Comment: CACNA1A: BP4, BP7

Labcorp Genetics (formerly Invitae), Labcorp
Classification: Likely benign for Developmental and epileptic encephalopathy, 42; Episodic ataxia type 2. Last evaluated: 2024-09-08. Review status: criteria provided, single submitter. Criteria: Invitae Variant Classification Sherloc (09022015). Collection method: clinical testing. Allele origin: germline.

Ambry Genetics
Classification: Likely benign for Inborn genetic diseases. Last evaluated: 2018-11-16. Review status: criteria provided, single submitter. Criteria: Ambry Variant Classification Scheme 2023. Collection method: clinical testing. Allele origin: germline.

NM_001127222.2(CACNA1A):c.1809C>T (p.Val603=)

Gene: CACNA1A (calcium voltage-gated channel subunit alpha1 A; minus strand). Cytogenetic location: 19p13.13.
Variant type: single nucleotide variant.
Coding change: c.1809C>T on transcript NM_001127222.2 (MANE Select); coding-DNA position 1809, C replaced by T.
Protein change: p.Val603=; no amino-acid change (valine 603 retained).
Molecular consequence: synonymous variant.
Genome position (GRCh38, 1-based): chr19:13,308,224, G>A on the plus strand (C>T on the coding strand, the complement: CACNA1A is on the minus strand). VCF-style: chr19-13308224-G-A. GRCh37 (hg19) VCF-style: chr19-13419038-G-A.
Other names: c.1812C>T, p.Val604= (NM_000068.4, NM_001127221.2, NM_001174080.2 and 1 more transcripts).
Identifiers: ClinVar variation 444451 (VCV000444451.52), dbSNP rs560241650, ClinGen allele CA305512078.